The following is an entry in ClinVar:

ClinVar aggregate classification (germline): Uncertain significance. Review status: criteria provided, multiple submitters, no conflicts (2 of 4 stars). 2 submissions from 2 submitters: Uncertain significance (2). Last evaluated 2021-11-10.

Conditions:
Hereditary cancer-predisposing syndrome. Also called: Neoplastic Syndromes, Hereditary; Hereditary Cancer Syndrome; Tumor predisposition; Hereditary neoplastic syndrome. Identifiers: Orphanet 140162, MedGen C0027672, MeSH D009386, MONDO:0015356.
Tuberous sclerosis 1 (TSC1). Identifiers: Orphanet 805, MedGen C1854465, MONDO:0008612, OMIM 191100.

Submissions (2):

Ambry Genetics
Classification: Uncertain significance for Hereditary cancer-predisposing syndrome. Last evaluated: 2021-11-10. Review status: criteria provided, single submitter. Criteria: Ambry Variant Classification Scheme 2023. Collection method: clinical testing. Allele origin: germline.
Comment: The p.D932N variant (also known as c.2794G>A), located in coding exon 19 of the TSC1 gene, results from a G to A substitution at nucleotide position 2794. The aspartic acid at codon 932 is replaced by asparagine, an amino acid with highly similar properties. This amino acid position is highly conserved in available vertebrate species. In addition, this alteration is predicted to be tolerated by in silico analysis. Since supporting evidence is limited at this time, the clinical significance of this alteration remains unclear.

Labcorp Genetics (formerly Invitae), Labcorp
Classification: Uncertain significance for Tuberous sclerosis 1. Last evaluated: 2021-07-30. Review status: criteria provided, single submitter. Criteria: Invitae Variant Classification Sherloc (09022015). Collection method: clinical testing. Allele origin: germline.
Comment: In summary, the available evidence is currently insufficient to determine the role of this variant in disease. Therefore, it has been classified as a Variant of Uncertain Significance. Algorithms developed to predict the effect of missense changes on protein structure and function (SIFT, PolyPhen-2, Align-GVGD) all suggest that this variant is likely to be tolerated. This variant has not been reported in the literature in individuals affected with TSC1-related conditions. This variant is not present in population databases (ExAC no frequency). This sequence change replaces aspartic acid with asparagine at codon 932 of the TSC1 protein (p.Asp932Asn). The aspartic acid residue is moderately conserved and there is a small physicochemical difference between aspartic acid and asparagine.

NM_000368.5(TSC1):c.2794G>A (p.Asp932Asn)

Gene: TSC1 (TSC complex subunit 1; minus strand). Cytogenetic location: 9q34.13.
Variant type: single nucleotide variant.
Coding change: c.2794G>A on transcript NM_000368.5 (MANE Select); coding-DNA position 2794, G replaced by A.
Protein change: p.Asp932Asn; replaces aspartic acid 932 with asparagine.
Molecular consequence: missense variant.
Genome position (GRCh38, 1-based): chr9:132,897,442, C>T on the plus strand (G>A on the coding strand, the complement: TSC1 is on the minus strand). VCF-style: chr9-132897442-C-T. GRCh37 (hg19) VCF-style: chr9-135772829-C-T.
Other names: c.2791G>A, p.Asp931Asn (NM_001162426.2); c.2641G>A, p.Asp881Asn (NM_001162427.2); c.2431G>A, p.Asp811Asn (NM_001362177.2); short protein forms D932N, D881N, D811N, D931N.
Identifiers: ClinVar variation 1466931 (VCV001466931.8), dbSNP rs2131630999, ClinGen allele CA375369061.